The following is an entry in ClinVar:

NM_005633.4(SOS1):c.692T>C (p.Val231Ala)

Gene: SOS1 (SOS Ras/Rac guanine nucleotide exchange factor 1; minus strand). Cytogenetic location: 2p22.1.
Variant type: single nucleotide variant.
Coding change: c.692T>C on transcript NM_005633.4 (MANE Select); coding-DNA position 692, T replaced by C.
Protein change: p.Val231Ala; replaces valine 231 with alanine.
Molecular consequence: missense variant.
Genome position (GRCh38, 1-based): chr2:39,054,642, A>G on the plus strand (T>C on the coding strand, the complement: SOS1 is on the minus strand). VCF-style: chr2-39054642-A-G. GRCh37 (hg19) VCF-style: chr2-39281783-A-G.
Other names: c.671T>C, p.Val224Ala (NM_001382394.1); c.692T>C, p.Val231Ala (NM_001382395.1); short protein forms V224A, V231A.
Identifiers: ClinVar variation 3378360 (VCV003378360.1).

ClinVar aggregate classification (germline): Uncertain significance (1 of 4 stars; one submission).

gnomAD v4.1: 3 of 1,579,910 alleles (0.00019%); highest among the groups gnomAD compares: Non-Finnish European, 0.00017%; no homozygotes.

Submission:

GeneDx
Classification: Uncertain significance. Last evaluated: 2024-05-14. Review status: criteria provided, single submitter. Criteria: GeneDx Variant Classification Process June 2021. Collection method: clinical testing. Allele origin: germline. Affected: yes.
Comment: Has not been previously published as pathogenic or benign to our knowledge; Missense variants in this gene are a common cause of disease and they are underrepresented in the general population; In silico analysis indicates that this missense variant does not alter protein structure/function; This variant is associated with the following publications: (PMID: 29493581)